The following is an entry in ClinVar:

NM_004329.3(BMPR1A):c.23T>G (p.Ile8Ser)

Gene: BMPR1A (bone morphogenetic protein receptor type 1A; plus strand). Cytogenetic location: 10q23.2.
Variant type: single nucleotide variant.
Coding change: c.23T>G on transcript NM_004329.3 (MANE Select); coding-DNA position 23, T replaced by G.
Protein change: p.Ile8Ser; replaces isoleucine 8 with serine.
Molecular consequence: missense variant.
Genome position (GRCh38, 1-based): chr10:86,876,041, T>G. VCF-style: chr10-86876041-T-G. GRCh37 (hg19) VCF-style: chr10-88635798-T-G.
Other names: c.23T>G, p.Ile8Ser (NM_001406559.1, NM_001406560.1, NM_001406561.1 and 23 more transcripts); c.-57T>G (NM_001406588.1); short protein forms I8S.
Identifiers: ClinVar variation 1790723 (VCV001790723.2), dbSNP rs2539350498, ClinGen allele CA377774787.

ClinVar aggregate classification (germline): Uncertain significance (1 of 4 stars; one submission).

Conditions:
Hereditary cancer-predisposing syndrome. Also called: Hereditary Cancer Syndrome; Hereditary neoplastic syndrome; Tumor predisposition; Neoplastic Syndromes, Hereditary. Identifiers: Orphanet 140162, MedGen C0027672, MeSH D009386, MONDO:0015356.

Submission:

Ambry Genetics
Classification: Uncertain significance for Hereditary cancer-predisposing syndrome. Last evaluated: 2020-11-25. Review status: criteria provided, single submitter. Criteria: Ambry Variant Classification Scheme 2023. Collection method: clinical testing. Allele origin: germline.
Comment: The p.I8S variant (also known as c.23T>G), located in coding exon 1 of the BMPR1A gene, results from a T to G substitution at nucleotide position 23. The isoleucine at codon 8 is replaced by serine, an amino acid with dissimilar properties. This amino acid position is well conserved in available vertebrate species. In addition, the in silico prediction for this alteration is inconclusive. Since supporting evidence is limited at this time, the clinical significance of this alteration remains unclear.